The following is an entry in ClinVar:

ClinVar aggregate classification (germline): Uncertain significance (1 of 4 stars; one submission).

Conditions:
Glycogen storage disease, type V (GSD5). Also called: McArdle type glycogen storage disease; MCARDLE DISEASE; MUSCLE GLYCOGEN PHOSPHORYLASE DEFICIENCY; MYOPHOSPHORYLASE DEFICIENCY; PYGM DEFICIENCY. Identifiers: Orphanet 368, MedGen C0017924, MONDO:0009293, OMIM 232600.

Submission:

Labcorp Genetics (formerly Invitae), Labcorp
Classification: Uncertain significance for Glycogen storage disease, type V. Last evaluated: 2023-04-30. Review status: criteria provided, single submitter. Criteria: Invitae Variant Classification Sherloc (09022015). Collection method: clinical testing. Allele origin: germline.
Comment: This sequence change replaces arginine, which is basic and polar, with glycine, which is neutral and non-polar, at codon 324 of the PYGM protein (p.Arg324Gly). This variant is not present in population databases (gnomAD no frequency). This missense change has been observed in individual(s) with McArdle disease (PMID: 22250184). Advanced modeling of protein sequence and biophysical properties (such as structural, functional, and spatial information, amino acid conservation, physicochemical variation, residue mobility, and thermodynamic stability) has been performed at Invitae for this missense variant, however the output from this modeling did not meet the statistical confidence thresholds required to predict the impact of this variant on PYGM protein function. In summary, the available evidence is currently insufficient to determine the role of this variant in disease. Therefore, it has been classified as a Variant of Uncertain Significance.

Literature cited by the submitters: PubMed 22250184.

NM_005609.4(PYGM):c.970C>G (p.Arg324Gly)

Gene: PYGM (glycogen phosphorylase, muscle associated; minus strand). Cytogenetic location: 11q13.1.
Variant type: single nucleotide variant.
Coding change: c.970C>G on transcript NM_005609.4 (MANE Select); coding-DNA position 970, C replaced by G.
Protein change: p.Arg324Gly; replaces arginine 324 with glycine.
Molecular consequence: missense variant.
Genome position (GRCh38, 1-based): chr11:64,754,722, G>C on the plus strand (C>G on the coding strand, the complement: PYGM is on the minus strand). VCF-style: chr11-64754722-G-C. GRCh37 (hg19) VCF-style: chr11-64522194-G-C.
Other names: c.706C>G, p.Arg236Gly (NM_001164716.1); short protein forms R324G, R236G.
Identifiers: ClinVar variation 2735642 (VCV002735642.3), dbSNP rs141889634, ClinGen allele CA381178563.